The following is an entry in ClinVar:

NM_017514.5(PLXNA3):c.3657G>A (p.Pro1219=)

Gene: PLXNA3 (plexin A3; plus strand). Cytogenetic location: Xq28.
Variant type: single nucleotide variant.
Coding change: c.3657G>A on transcript NM_017514.5 (MANE Select); coding-DNA position 3657, G replaced by A.
Protein change: p.Pro1219=; no amino-acid change (proline 1219 retained).
Molecular consequence: synonymous variant.
Genome position (GRCh38, 1-based): chrX:154,467,838, G>A. VCF-style: chrX-154467838-G-A. GRCh37 (hg19) VCF-style: chrX-153696181-G-A.
Identifiers: ClinVar variation 2629404 (VCV002629404.1), dbSNP rs370812969, ClinGen allele CA10564689.

ClinVar aggregate classification (germline): Uncertain significance (1 of 4 stars; one submission).

Conditions:
PLXNA3-related disorder. Also called: PLXNA3-related condition.

Allele frequency attached by ClinVar (database versions not stated): gnomAD 0.00001; TOPMed 0.00001; ExAC 0.00004; ESP Exome Variant Server 0.00010.
gnomAD v4.1: 13 of 1,205,103 alleles (0.0011%); highest among the groups gnomAD compares: South Asian, 0.012%; no homozygotes.

Submission:

PreventionGenetics, part of Exact Sciences
Classification: Uncertain significance for PLXNA3-related condition. Last evaluated: 2023-03-04. Review status: criteria provided, single submitter. Criteria: ACMG Guidelines, 2015. Collection method: clinical testing. Allele origin: germline.
Comment: The PLXNA3 c.3657G>A variant is not predicted to result in an amino acid change (p.=). This variant is predicted to alter splicing based on available splicing prediction programs (Alamut Visual Plus v1.6.1). However, such computer prediction programs are imperfect. To our knowledge, this variant has not been reported in the literature. This variant is reported in 0.016% of alleles in individuals of South Asian descent in gnomAD. At this time, the clinical significance of this variant is uncertain due to the absence of conclusive functional and genetic evidence.